The following is an entry in ClinVar:

ClinVar aggregate classification (germline): Pathogenic/Likely pathogenic. Review status: criteria provided, multiple submitters, no conflicts (2 of 4 stars). 3 submissions from 3 submitters: Pathogenic (2); Likely pathogenic (1). Last evaluated 2025-07-07.

Conditions:
Severe combined immunodeficiency disease. Also called: Severe combined immunodeficiency; Severe Combined Immune Deficiency. Identifiers: MONDO:0015974, HP:0004430, Orphanet 183660, MedGen C0085110, MeSH D016511. Inheritance: X-Linked or Autosomal recessive.
Purine-nucleoside phosphorylase deficiency. Also called: NUCLEOSIDE PHOSPHORYLASE DEFICIENCY; Immunodeficiency due to purine nucleoside phosphorylase deficiency. Identifiers: Orphanet 760, MedGen C0268125, MONDO:0013171, OMIM 613179.
PNP-related disorder. Also called: PNP-related condition.

Allele frequency attached by ClinVar (database versions not stated): gnomAD exomes 0.00002.

Submissions (3):

Women's Health and Genetics/Laboratory Corporation of America, LabCorp
Classification: Pathogenic for Severe combined immunodeficiency disease. Last evaluated: 2025-07-07. Review status: criteria provided, single submitter. Criteria: LabCorp Variant Classification Summary - May 2015. Collection method: clinical testing. Allele origin: germline.
Comment: Variant summary: PNP c.769C>G (p.His257Asp) results in a non-conservative amino acid change in the encoded protein sequence. Algorithms developed to predict the effect of missense changes on protein structure and function all suggest that this variant is likely to be disruptive. The variant allele was found at a frequency of 1.6e-05 in 251474 control chromosomes (gnomAD). c.769C>G has been observed in multiple individuals affected with Immunodeficiency due to purine nucleoside phosphorylase deficiency (Grunebaum_2004, Grunebaum_2020). These data indicate that the variant is very likely to be associated with disease. The following publications have been ascertained in the context of this evaluation (PMID: 15571269, 32695102). ClinVar contains an entry for this variant (Variation ID: 636509). Based on the evidence outlined above, the variant was classified as pathogenic.

Labcorp Genetics (formerly Invitae), Labcorp
Classification: Pathogenic for Purine-nucleoside phosphorylase deficiency. Last evaluated: 2025-02-23. Review status: criteria provided, single submitter. Criteria: Invitae Variant Classification Sherloc (09022015). Collection method: clinical testing. Allele origin: germline.
Comment: This sequence change replaces histidine, which is basic and polar, with aspartic acid, which is acidic and polar, at codon 257 of the PNP protein (p.His257Asp). This variant is present in population databases (no rsID available, gnomAD 0.002%). This missense change has been observed in individual(s) with purine nucleoside phosphorylase deficiency (PMID: 15571269, 32695102). It has also been observed to segregate with disease in related individuals. ClinVar contains an entry for this variant (Variation ID: 636509). Invitae Evidence Modeling of protein sequence and biophysical properties (such as structural, functional, and spatial information, amino acid conservation, physicochemical variation, residue mobility, and thermodynamic stability) indicates that this missense variant is expected to disrupt PNP protein function with a positive predictive value of 80%. Experimental studies have shown that this missense change affects PNP function (PMID: 17407325). This variant disrupts the p.His257 amino acid residue in PNP. Other variant(s) that disrupt this residue have been observed in individuals with PNP-related conditions (PMID: 15571269, 22132981), which suggests that this may be a clinically significant amino acid residue. For these reasons, this variant has been classified as Pathogenic.

Blueprint Genetics
Classification: Likely pathogenic for PNP-related disorders. Last evaluated: 2023-12-29. Review status: criteria provided, single submitter. Criteria: ACMG Guidelines, 2015. Collection method: clinical testing. Allele origin: germline. Affected: yes. Observed: 4 variant alleles.

Literature cited by the submitters: PubMed 32695102 (cited by Women's Health and Genetics/Laboratory Corporation of America, LabCorp and Labcorp Genetics (formerly Invitae), Labcorp); PubMed 15571269 (cited by Women's Health and Genetics/Laboratory Corporation of America, LabCorp and Labcorp Genetics (formerly Invitae), Labcorp); PubMed 17407325 (cited by Labcorp Genetics (formerly Invitae), Labcorp); PubMed 22132981 (cited by Labcorp Genetics (formerly Invitae), Labcorp).

NM_000270.4(PNP):c.769C>G (p.His257Asp)

Gene: PNP (purine nucleoside phosphorylase; plus strand). Cytogenetic location: 14q11.2.
Variant type: single nucleotide variant.
Coding change: c.769C>G on transcript NM_000270.4 (MANE Select); coding-DNA position 769, C replaced by G.
Protein change: p.His257Asp; replaces histidine 257 with aspartic acid.
Molecular consequence: missense variant.
Genome position (GRCh38, 1-based): chr14:20,476,500, C>G. VCF-style: chr14-20476500-C-G. GRCh37 (hg19) VCF-style: chr14-20944659-C-G.
Other names: short protein forms H257D.
Identifiers: ClinVar variation 636509 (VCV000636509.14), dbSNP rs1247497521, ClinGen allele CA389146119.